The following is an entry in ClinVar:

ClinVar aggregate classification (germline): Uncertain significance. Review status: criteria provided, multiple submitters, no conflicts (2 of 4 stars). 3 submissions from 3 submitters: Uncertain significance (2). 1 of the submissions does not count toward it. Last evaluated 2025-10-14.

Conditions:
Inborn genetic diseases. Identifiers: MedGen C0950123, MeSH D030342.
CLCN7-related disorder. Also called: CLCN7-related condition.

Allele frequency attached by ClinVar (database versions not stated): gnomAD 0.00003; gnomAD exomes 0.00001; TOPMed 0.00002.
gnomAD v4.1: 25 of 1,612,404 alleles (0.0016%); highest among the groups gnomAD compares: Middle Eastern, 0.016%; no homozygotes.

Submissions (3):

Ambry Genetics
Classification: Uncertain significance for Inborn genetic diseases. Last evaluated: 2025-10-14. Review status: criteria provided, single submitter. Criteria: Ambry Variant Classification Scheme 2023. Collection method: clinical testing. Allele origin: germline.

Labcorp Genetics (formerly Invitae), Labcorp
Classification: Uncertain significance. Last evaluated: 2025-03-14. Review status: criteria provided, single submitter. Criteria: Invitae Variant Classification Sherloc (09022015). Collection method: clinical testing. Allele origin: germline.
Comment: This sequence change replaces threonine, which is neutral and polar, with methionine, which is neutral and non-polar, at codon 494 of the CLCN7 protein (p.Thr494Met). This variant is present in population databases (no rsID available, gnomAD 0.003%). This variant has not been reported in the literature in individuals affected with CLCN7-related conditions. ClinVar contains an entry for this variant (Variation ID: 3031467). Invitae Evidence Modeling of protein sequence and biophysical properties (such as structural, functional, and spatial information, amino acid conservation, physicochemical variation, residue mobility, and thermodynamic stability) indicates that this missense variant is not expected to disrupt CLCN7 protein function with a negative predictive value of 95%. In summary, the available evidence is currently insufficient to determine the role of this variant in disease. Therefore, it has been classified as a Variant of Uncertain Significance.

PreventionGenetics, part of Exact Sciences
Classification: Uncertain significance for CLCN7-related condition. Last evaluated: 2024-01-25. Review status: no assertion criteria provided. Collection method: clinical testing. Allele origin: germline. Not counted in ClinVar's aggregate classification.
Comment: The CLCN7 c.1481C>T variant is predicted to result in the amino acid substitution p.Thr494Met. To our knowledge, this variant has not been reported in the literature. This variant is reported in 0.0033% of alleles in individuals of South Asian descent in gnomAD. At this time, the clinical significance of this variant is uncertain due to the absence of conclusive functional and genetic evidence.

NM_001287.6(CLCN7):c.1481C>T (p.Thr494Met)

Gene: CLCN7 (Cl-/H+ antiporter 7; minus strand). Cytogenetic location: 16p13.3.
Variant type: single nucleotide variant.
Coding change: c.1481C>T on transcript NM_001287.6 (MANE Select); coding-DNA position 1481, C replaced by T.
Protein change: p.Thr494Met; replaces threonine 494 with methionine.
Molecular consequence: missense variant.
Genome position (GRCh38, 1-based): chr16:1,450,633, G>A on the plus strand (C>T on the coding strand, the complement: CLCN7 is on the minus strand). VCF-style: chr16-1450633-G-A. GRCh37 (hg19) VCF-style: chr16-1500634-G-A.
Other names: c.1481C>T (NM_001287.4); c.1409C>T, p.Thr470Met (NM_001114331.3); short protein forms T470M, T494M.
Identifiers: ClinVar variation 3031467 (VCV003031467.4), dbSNP rs1018009699, ClinGen allele CA276673508.